The following is an entry in ClinVar:

NM_000038.6(APC):c.5836G>A (p.Ala1946Thr)

Gene: APC (APC regulator of Wnt signaling pathway; plus strand). Cytogenetic location: 5q22.2.
Variant type: single nucleotide variant.
Coding change: c.5836G>A on transcript NM_000038.6 (MANE Select); coding-DNA position 5836, G replaced by A.
Protein change: p.Ala1946Thr; replaces alanine 1946 with threonine.
Molecular consequence: missense variant.
Genome position (GRCh38, 1-based): chr5:112,841,430, G>A. VCF-style: chr5-112841430-G-A. GRCh37 (hg19) VCF-style: chr5-112177127-G-A.
Other names: c.5836G>A, p.Ala1946Thr (NM_001127510.3, NM_001354895.2); c.5782G>A, p.Ala1928Thr (NM_001127511.3); c.5890G>A, p.Ala1964Thr (NM_001354896.2); c.5866G>A, p.Ala1956Thr (NM_001354897.2); c.5761G>A, p.Ala1921Thr (NM_001354898.2); c.5752G>A, p.Ala1918Thr (NM_001354899.2); c.5713G>A, p.Ala1905Thr (NM_001354900.2); c.5659G>A, p.Ala1887Thr (NM_001354901.2); and 5 more; short protein forms A1663T, A1786T, A1820T, A1845T, A1855T, A1887T, A1905T, A1918T.
Identifiers: ClinVar variation 1020046 (VCV001020046.10), dbSNP rs1766061597, ClinGen allele CA16034096.

ClinVar aggregate classification (germline): Uncertain significance (1 of 4 stars; one submission).

Conditions:
Familial adenomatous polyposis 1 (FAP1). Also called: POLYPOSIS, ADENOMATOUS INTESTINAL; FAMILIAL ADENOMATOUS POLYPOSIS 1, ATTENUATED. Identifiers: MedGen C2713442, MONDO:0021056, OMIM 175100. Disease mechanism: loss of function.

Submission:

Labcorp Genetics (formerly Invitae), Labcorp
Classification: Uncertain significance for Familial adenomatous polyposis 1. Last evaluated: 2022-12-21. Review status: criteria provided, single submitter. Criteria: Invitae Variant Classification Sherloc (09022015). Collection method: clinical testing. Allele origin: germline.
Comment: Advanced modeling of protein sequence and biophysical properties (such as structural, functional, and spatial information, amino acid conservation, physicochemical variation, residue mobility, and thermodynamic stability) performed at Invitae indicates that this missense variant is not expected to disrupt APC protein function. In summary, the available evidence is currently insufficient to determine the role of this variant in disease. Therefore, it has been classified as a Variant of Uncertain Significance. ClinVar contains an entry for this variant (Variation ID: 1020046). This variant has not been reported in the literature in individuals affected with APC-related conditions. This variant is not present in population databases (gnomAD no frequency). This sequence change replaces alanine, which is neutral and non-polar, with threonine, which is neutral and polar, at codon 1946 of the APC protein (p.Ala1946Thr).